The following is an entry in ClinVar:

ClinVar aggregate classification (germline): Likely pathogenic (1 of 4 stars; one submission).

Submission:

Genetics Laboratory, UDIAT-Centre Diagnòstic, Hospital Universitari Parc Tauli
Classification: Likely pathogenic. Last evaluated: 2021-04-26. Review status: criteria provided, single submitter. Criteria: Parc Tauli Hospital Assertion Criteria 2021. Collection method: clinical testing. Allele origin: de novo. Inheritance: Autosomal dominant inheritance. Affected: yes. Observed: 1 heterozygote.
Comment: PM2_supporting;PM6_moderate;PP2_supporting;PP3_supporting

NM_001190274.2(FBXO11):c.1523A>G (p.His508Arg)

Gene: FBXO11 (F-box protein 11; minus strand). Cytogenetic location: 2p16.3.
Variant type: single nucleotide variant.
Coding change: c.1523A>G on transcript NM_001190274.2 (MANE Select); coding-DNA position 1523, A replaced by G.
Protein change: p.His508Arg; replaces histidine 508 with arginine.
Molecular consequence: missense variant.
Genome position (GRCh38, 1-based): chr2:47,823,236, T>C on the plus strand (A>G on the coding strand, the complement: FBXO11 is on the minus strand). VCF-style: chr2-47823236-T-C. GRCh37 (hg19) VCF-style: chr2-48050375-T-C.
Other names: c.1271A>G, p.His424Arg (NM_001374325.1, NM_025133.4); short protein forms H424R, H508R.
Identifiers: ClinVar variation 1098364 (VCV001098364.2), dbSNP rs2104739052, ClinGen allele CA346764857.